The following is an entry in ClinVar:

ClinVar aggregate classification (germline): Likely benign (1 of 4 stars; one submission).

Submission:

CeGaT Center for Human Genetics Tuebingen
Classification: Likely benign. Last evaluated: 2025-12-01. Review status: criteria provided, single submitter. Criteria: CeGaT Center For Human Genetics Tuebingen Variant Classification Criteria Version 2. Collection method: clinical testing. Allele origin: germline. Affected: yes. Observed: 1 variant allele.
Comment: MUC5B: BP4, BP7, BS1

NM_002458.3(MUC5B):c.12447C>G (p.Gly4149=)

Genes: MUC5B (mucin 5B, oligomeric mucus/gel-forming; plus strand), MUC5B-AS1 (MUC5B antisense RNA 1; minus strand). Cytogenetic location: 11p15.5.
Variant type: single nucleotide variant.
Coding change: c.12447C>G on transcript NM_002458.3 (MANE Select); coding-DNA position 12447, C replaced by G.
Protein change: p.Gly4149=; no amino-acid change (glycine 4149 retained).
Molecular consequence: synonymous variant.
Genome position (GRCh38, 1-based): chr11:1,249,327, C>G. VCF-style: chr11-1249327-C-G. GRCh37 (hg19) VCF-style: chr11-1270557-C-G.
Identifiers: ClinVar variation 3388331 (VCV003388331.14).